The following is an entry in ClinVar:

NM_145331.3(MAP3K7):c.1210+6A>G

Gene: MAP3K7 (mitogen-activated protein kinase kinase kinase 7; minus strand). Cytogenetic location: 6q15.
Variant type: single nucleotide variant.
Coding change: c.1210+6A>G on transcript NM_145331.3 (MANE Select); 6 bases into the intron after coding-DNA position 1210, A replaced by G.
Molecular consequence: intron variant.
Genome position (GRCh38, 1-based): chr6:90,547,252, T>C on the plus strand (A>G on the coding strand, the complement: MAP3K7 is on the minus strand). VCF-style: chr6-90547252-T-C. GRCh37 (hg19) VCF-style: chr6-91256971-T-C.
Other names: c.1210+6A>G (NM_145333.3, NM_003188.4, NM_145332.3).
Identifiers: ClinVar variation 3633893 (VCV003633893.2).

ClinVar aggregate classification (germline): Uncertain significance (1 of 4 stars; one submission).

gnomAD v4.1: 154 of 1,613,286 alleles (0.0095%); highest among the groups gnomAD compares: Non-Finnish European, 0.012%; no homozygotes.

Submission:

Labcorp Genetics (formerly Invitae), Labcorp
Classification: Uncertain significance. Last evaluated: 2024-08-05. Review status: criteria provided, single submitter. Criteria: Invitae Variant Classification Sherloc (09022015). Collection method: clinical testing. Allele origin: germline.
Comment: This sequence change falls in intron 11 of the MAP3K7 gene. It does not directly change the encoded amino acid sequence of the MAP3K7 protein. It affects a nucleotide within the consensus splice site. This variant is present in population databases (rs765336789, gnomAD 0.004%). This variant has not been reported in the literature in individuals affected with MAP3K7-related conditions. Variants that disrupt the consensus splice site are a relatively common cause of aberrant splicing (PMID: 17576681, 9536098). Algorithms developed to predict the effect of sequence changes on RNA splicing suggest that this variant is not likely to affect RNA splicing. In summary, the available evidence is currently insufficient to determine the role of this variant in disease. Therefore, it has been classified as a Variant of Uncertain Significance.

Literature cited by the submitters: PubMed 17576681; PubMed 9536098.